The following is an entry in ClinVar:

NM_022336.4(EDAR):c.1072C>T (p.Arg358Ter)

Genes: EDAR (ectodysplasin A receptor; minus strand), RANBP2 (RAN binding protein 2; plus strand). Cytogenetic location: 2q13.
Variant type: single nucleotide variant.
Coding change: c.1072C>T on transcript NM_022336.4 (MANE Select); coding-DNA position 1072, C replaced by T.
Protein change: p.Arg358Ter; replaces arginine 358 with a stop codon.
Molecular consequence: nonsense.
Genome position (GRCh38, 1-based): chr2:108,897,182, G>A on the plus strand (C>T on the coding strand, the complement: EDAR is on the minus strand). VCF-style: chr2-108897182-G-A. GRCh37 (hg19) VCF-style: chr2-109513638-G-A.
Other names: short protein forms R358*.
Identifiers: ClinVar variation 5852 (VCV000005852.57), dbSNP rs121908452, ClinGen allele CA117808.

ClinVar aggregate classification (germline): Pathogenic. Review status: criteria provided, multiple submitters, no conflicts (2 of 4 stars). 9 submissions from 9 submitters: Pathogenic (7). 2 of the submissions do not count toward it. Last evaluated 2026-06-05.

Conditions:
EDAR-related disorder. Also called: EDAR-related condition.
Ectodermal dysplasia 10A, hypohidrotic/hair/nail type, autosomal dominant (ECTD10A). Also called: Ectodermal Dysplasia 3, Anhidrotic. Identifiers: Orphanet 1810, Orphanet 238468, MedGen C3888065, MONDO:0007509, OMIM 129490.
Autosomal recessive hypohidrotic ectodermal dysplasia syndrome. Also called: Autosomal recessive hypohidrotic ectodermal dysplasia. Identifiers: Orphanet 248, MedGen C0406702, MONDO:0016619.
Non-syndromic oligodontia.
Ectodermal dysplasia 10a, hypohidrotic/hair/tooth type, autosomal dominant. Identifiers: MedGen C3551587.

Allele frequency attached by ClinVar (database versions not stated): gnomAD exomes below 0.00001.
gnomAD v4.1: 1 of 1,613,744 alleles (0.000062%); highest among the groups gnomAD compares: Non-Finnish European, 0.000085%; no homozygotes.

Submissions (9):

Lupski Lab, Baylor-Hopkins CMG, Baylor College of Medicine
Classification: Pathogenic for Ectodermal dysplasia 10A, hypohidrotic/hair/nail type, autosomal dominant. Last evaluated: 2026-06-05. Review status: criteria provided, single submitter. Criteria: ACMG Guidelines, 2015. Collection method: research. Allele origin: de novo. Inheritance: Autosomal dominant inheritance. Affected: yes. Observed: 1 variant allele, 1 heterozygote.
Comment: This is a nonsense variant in EDAR, a gene where loss-of-function is a known mechanism of disease (PVS1_Very Strong = +8pts). This variant is absent in gnomAD genomes, and is rare with no homozygous alleles in gnomAD exomes (PM2_Supporting= +1pt). 13 pts (PVS1 +8, PS2 +4, PM2 +1).

Labcorp Genetics (formerly Invitae), Labcorp
Classification: Pathogenic for Ectodermal dysplasia 10A, hypohidrotic/hair/nail type, autosomal dominant; Autosomal recessive hypohidrotic ectodermal dysplasia syndrome. Last evaluated: 2026-02-02. Review status: criteria provided, single submitter. Criteria: Invitae Variant Classification Sherloc (09022015). Collection method: clinical testing. Allele origin: germline.
Comment: This sequence change creates a premature translational stop signal (p.Arg358*) in the EDAR gene. While this is not anticipated to result in nonsense mediated decay, it is expected to disrupt the last 91 amino acid(s) of the EDAR protein. This variant is not present in population databases (gnomAD no frequency). This premature translational stop signal has been observed in individuals with hypohidrotic ectodermal dysplasia (PMID: 10431241, 17125505, 24884697, 26336973, 27305980). It has also been observed to segregate with disease in related individuals. ClinVar contains an entry for this variant (Variation ID: 5852). For these reasons, this variant has been classified as Pathogenic.

3billion
Classification: Pathogenic for Ectodermal dysplasia 10A, hypohidrotic/hair/nail type, autosomal dominant. Last evaluated: 2024-07-25. Review status: criteria provided, single submitter. Criteria: ACMG Guidelines, 2015. Collection method: clinical testing. Allele origin: germline. Affected: yes.
Comment: The variant is observed at an extremely low frequency in the gnomAD v4.0.0 dataset (total allele frequency: <0.001%). Predicted Consequence/Location: Stop-gained (nonsense): predicted to result in a loss or disruption of normal protein function through protein truncation. The predicted truncated protein may be shortened by more than 10%. The variant has been reported at least twice as pathogenic with clinical assertions and evidence for the classification (ClinVar ID: VCV000005852 /PMID: 10431241). Therefore, this variant is classified as Pathogenic according to the recommendation of ACMG/AMP guideline.

Greenwood Genetic Center Diagnostic Laboratories, Greenwood Genetic Center
Classification: Pathogenic for Ectodermal dysplasia 10A, hypohidrotic/hair/nail type, autosomal dominant. Last evaluated: 2023-12-08. Review status: criteria provided, single submitter. Criteria: ACMG Guidelines, 2015. Collection method: clinical testing. Allele origin: germline. Affected: yes.
Comment: PS2, PS4, PM2

Blueprint Genetics
Classification: Pathogenic for EDAR-related disorders. Last evaluated: 2023-08-21. Review status: criteria provided, single submitter. Criteria: ACMG Guidelines, 2015. Collection method: clinical testing. Allele origin: germline. Affected: yes. Observed: 5 variant alleles.

GeneDx
Classification: Pathogenic. Last evaluated: 2022-05-09. Review status: criteria provided, single submitter. Criteria: GeneDx Variant Classification Process June 2021. Collection method: clinical testing. Allele origin: germline. Affected: yes.
Comment: Nonsense variant in the C-terminus predicted to result in protein truncation, as the last 91 amino acids are lost, and other loss-of-function variants have been reported downstream in the Human Gene Mutation Database (HGMD); Not observed at significant frequency in large population cohorts (gnomAD); This variant is associated with the following publications: (PMID: 20979233, 27305980, 21332691, 21457804, 26336973, 24884697, 24719393, 28097853, 10431241, 32906216, 18231121, 17125505)

CeGaT Center for Human Genetics Tuebingen
Classification: Pathogenic. Last evaluated: 2020-01-01. Review status: criteria provided, single submitter. Criteria: CeGaT Center For Human Genetics Tuebingen Variant Classification Criteria Version 2. Collection method: clinical testing. Allele origin: germline. Affected: yes. Observed: 3 variant alleles.

Department of Prosthodontics, Peking University School and Hospital of Stomatology
Classification: Pathogenic for Non-syndromic oligodontia. Last evaluated: 2020-04-27. Review status: no assertion criteria provided. Collection method: clinical testing. Allele origin: inherited. Affected: yes. Not counted in ClinVar's aggregate classification.

OMIM
Classification: Pathogenic for ECTODERMAL DYSPLASIA 10A, HYPOHIDROTIC/HAIR/TOOTH TYPE, AUTOSOMAL DOMINANT. Last evaluated: 1999-08-01. Review status: no assertion criteria provided. Collection method: literature only. Allele origin: germline. Not counted in ClinVar's aggregate classification.

Literature cited by the submitters: PubMed 27305980 (cited by Lupski Lab, Baylor-Hopkins CMG, Baylor College of Medicine and Labcorp Genetics (formerly Invitae), Labcorp); PubMed 26336973 (cited by Lupski Lab, Baylor-Hopkins CMG, Baylor College of Medicine and Labcorp Genetics (formerly Invitae), Labcorp); PubMed 24884697 (cited by Lupski Lab, Baylor-Hopkins CMG, Baylor College of Medicine and Labcorp Genetics (formerly Invitae), Labcorp); PubMed 17125505 (cited by Lupski Lab, Baylor-Hopkins CMG, Baylor College of Medicine and Labcorp Genetics (formerly Invitae), Labcorp); PubMed 10431241 (cited by 4 submitters).